The following is an entry in ClinVar:

NM_013275.6(ANKRD11):c.1383A>T (p.Glu461Asp)

Gene: ANKRD11 (ankyrin repeat domain 11; minus strand). Cytogenetic location: 16q24.3.
Variant type: single nucleotide variant.
Coding change: c.1383A>T on transcript NM_013275.6 (MANE Select); coding-DNA position 1383, A replaced by T.
Protein change: p.Glu461Asp; replaces glutamic acid 461 with aspartic acid.
Molecular consequence: missense variant.
Genome position (GRCh38, 1-based): chr16:89,285,159, T>A on the plus strand (A>T on the coding strand, the complement: ANKRD11 is on the minus strand). VCF-style: chr16-89285159-T-A. GRCh37 (hg19) VCF-style: chr16-89351567-T-A.
Other names: c.1383A>T, p.Glu461Asp (NM_001256182.2, NM_001256183.2); short protein forms E461D.
Identifiers: ClinVar variation 1713400 (VCV001713400.5), dbSNP rs2544245219, ClinGen allele CA397165068.

ClinVar aggregate classification (germline): Uncertain significance (1 of 4 stars; one submission).

Conditions:
KBG syndrome (KBGS). Also called: ANKRD11-Related KBG Syndrome. Identifiers: Orphanet 2332, MedGen C0220687, MONDO:0007846, OMIM 148050.

Submission:

Labcorp Genetics (formerly Invitae), Labcorp
Classification: Uncertain significance for KBG syndrome. Last evaluated: 2022-07-23. Review status: criteria provided, single submitter. Criteria: Invitae Variant Classification Sherloc (09022015). Collection method: clinical testing. Allele origin: germline.
Comment: This sequence change replaces glutamic acid, which is acidic and polar, with aspartic acid, which is acidic and polar, at codon 461 of the ANKRD11 protein (p.Glu461Asp). This variant is not present in population databases (gnomAD no frequency). This variant has not been reported in the literature in individuals affected with ANKRD11-related conditions. Advanced modeling of protein sequence and biophysical properties (such as structural, functional, and spatial information, amino acid conservation, physicochemical variation, residue mobility, and thermodynamic stability) performed at Invitae indicates that this missense variant is not expected to disrupt ANKRD11 protein function. In summary, the available evidence is currently insufficient to determine the role of this variant in disease. Therefore, it has been classified as a Variant of Uncertain Significance.